The following is an entry in ClinVar:

NM_001613.4(ACTA2):c.676G>A (p.Glu226Lys)

Genes: ACTA2 (actin alpha 2, smooth muscle; minus strand), ACTA2-AS1 (ACTA2 antisense RNA 1; plus strand). Cytogenetic location: 10q23.31.
Variant type: single nucleotide variant.
Coding change: c.676G>A on transcript NM_001613.4 (MANE Select); coding-DNA position 676, G replaced by A.
Protein change: p.Glu226Lys; replaces glutamic acid 226 with lysine.
Molecular consequence: missense variant. On other transcripts: non-coding transcript variant (1).
Genome position (GRCh38, 1-based): chr10:88,939,639, C>T on the plus strand (G>A on the coding strand, the complement: ACTA2 is on the minus strand). VCF-style: chr10-88939639-C-T. GRCh37 (hg19) VCF-style: chr10-90699396-C-T.
Other names: c.676G>A, p.Glu226Lys (NM_001141945.3, NM_001320855.2, NM_001406462.1 and 2 more transcripts); c.565G>A, p.Glu189Lys (NM_001406466.1); c.547G>A, p.Glu183Lys (NM_001406467.1, NM_001406468.1, NM_001406469.1); short protein forms E226K, E189K, E183K.
Identifiers: ClinVar variation 1503050 (VCV001503050.7), dbSNP rs2133250624, ClinGen allele CA377511424.

ClinVar aggregate classification (germline): Uncertain significance (1 of 4 stars; one submission).

Conditions:
Aortic aneurysm, familial thoracic 6 (AAT6). Also called: FAMILIAL THORACIC AORTIC ANEURYSM WITH LIVEDO RETICULARIS AND IRIS FLOCCULI. Identifiers: MedGen C2673186, MONDO:0012730, OMIM 611788.

Submission:

Labcorp Genetics (formerly Invitae), Labcorp
Classification: Uncertain significance for Aortic aneurysm, familial thoracic 6. Last evaluated: 2021-09-03. Review status: criteria provided, single submitter. Criteria: Invitae Variant Classification Sherloc (09022015). Collection method: clinical testing. Allele origin: germline.
Comment: In summary, the available evidence is currently insufficient to determine the role of this variant in disease. Therefore, it has been classified as a Variant of Uncertain Significance. Advanced modeling of protein sequence and biophysical properties (such as structural, functional, and spatial information, amino acid conservation, physicochemical variation, residue mobility, and thermodynamic stability) performed at Invitae indicates that this missense variant is expected to disrupt ACTA2 protein function. This variant has not been reported in the literature in individuals affected with ACTA2-related conditions. This variant is not present in population databases (ExAC no frequency). This sequence change replaces glutamic acid with lysine at codon 226 of the ACTA2 protein (p.Glu226Lys). The glutamic acid residue is highly conserved and there is a small physicochemical difference between glutamic acid and lysine.